The following is an entry in ClinVar:

NM_012123.4(MTO1):c.496G>A (p.Glu166Lys)

Gene: MTO1 (mitochondrial tRNA translation optimization 1; plus strand). Cytogenetic location: 6q13.
Variant type: single nucleotide variant.
Coding change: c.496G>A on transcript NM_012123.4 (MANE Select); coding-DNA position 496, G replaced by A.
Protein change: p.Glu166Lys; replaces glutamic acid 166 with lysine.
Molecular consequence: missense variant.
Genome position (GRCh38, 1-based): chr6:73,466,567, G>A. VCF-style: chr6-73466567-G-A. GRCh37 (hg19) VCF-style: chr6-74176290-G-A.
Other names: c.496G>A, p.Glu166Lys (NM_001123226.2, NM_133645.3); short protein forms E166K.
Identifiers: ClinVar variation 665725 (VCV000665725.6), dbSNP rs989384303, ClinGen allele CA140952351.

ClinVar aggregate classification (germline): Uncertain significance (1 of 4 stars; one submission).

Conditions:
Mitochondrial hypertrophic cardiomyopathy with lactic acidosis due to MTO1 deficiency. Also called: CARDIOMYOPATHY, INFANTILE HYPERTROPHIC MITOCHONDRIAL, AND LACTIC ACIDOSIS; Combined oxidative phosphorylation deficiency 10. Identifiers: Orphanet 314637, MedGen C4749921, MONDO:0013865, OMIM 614702.

Submission:

Labcorp Genetics (formerly Invitae), Labcorp
Classification: Uncertain significance for Mitochondrial hypertrophic cardiomyopathy with lactic acidosis due to MTO1 deficiency. Last evaluated: 2025-05-05. Review status: criteria provided, single submitter. Criteria: Invitae Variant Classification Sherloc (09022015). Collection method: clinical testing. Allele origin: germline.
Comment: This sequence change replaces glutamic acid, which is acidic and polar, with lysine, which is basic and polar, at codon 166 of the MTO1 protein (p.Glu166Lys). This variant is not present in population databases (gnomAD no frequency). This variant has not been reported in the literature in individuals affected with MTO1-related conditions. ClinVar contains an entry for this variant (Variation ID: 665725). An algorithm developed to predict the effect of missense changes on protein structure and function (PolyPhen-2) suggests that this variant is likely to be tolerated. In summary, the available evidence is currently insufficient to determine the role of this variant in disease. Therefore, it has been classified as a Variant of Uncertain Significance.